The following is an entry in ClinVar:

NM_001378120.1(MBD5):c.216+15A>G

Gene: MBD5 (methyl-CpG binding domain protein 5; plus strand). Cytogenetic location: 2q23.1.
Variant type: single nucleotide variant.
Coding change: c.216+15A>G on transcript NM_001378120.1 (MANE Select); 15 bases into the intron after coding-DNA position 216, A replaced by G.
Molecular consequence: intron variant.
Genome position (GRCh38, 1-based): chr2:148,462,699, A>G. VCF-style: chr2-148462699-A-G. GRCh37 (hg19) VCF-style: chr2-149220268-A-G.
Other names: c.216+15A>G (NM_018328.5).
Identifiers: ClinVar variation 387500 (VCV000387500.4), dbSNP rs759004187, ClinGen allele CA1899836.
Genomic context (GRCh38, chr2:148,462,699, plus strand): 5'-TGGAACATGCAAGTGTGGCTTGGAATGTCCTCTTATTCTTCCCAAGGTAACCATTTCACA[A>G]TAGATCTACAGCAGTGTTTTATTTTTTAGGTATTTTGTATATTTGTTTTTCTCATTTGGA-3'

ClinVar aggregate classification (germline): Likely benign. Review status: criteria provided, multiple submitters, no conflicts (2 of 4 stars). 2 submissions from 2 submitters: Likely benign (2). Last evaluated 2025-08-22.

Conditions:
Intellectual developmental disorder, autosomal dominant 1. Also called: MBD5 Haploinsufficiency; Intellectual disability, autosomal dominant 1. Identifiers: Orphanet 228402, MedGen C1969562, MONDO:0007974, OMIM 156200.

Allele frequency attached by ClinVar (database versions not stated): gnomAD 0.00001; gnomAD exomes 0.00001 and 0.00002; ExAC 0.00004; TOPMed below 0.00001.
gnomAD v4.1: 13 of 1,471,670 alleles (0.00088%); highest among the groups gnomAD compares: South Asian, 0.0057%; no homozygotes.

Submissions (2):

Labcorp Genetics (formerly Invitae), Labcorp
Classification: Likely benign for Intellectual developmental disorder, autosomal dominant 1. Last evaluated: 2025-08-22. Review status: criteria provided, single submitter. Criteria: Invitae Variant Classification Sherloc (09022015). Collection method: clinical testing. Allele origin: germline.

GeneDx
Classification: Likely benign. Last evaluated: 2016-07-06. Review status: criteria provided, single submitter. Criteria: GeneDx Variant Classification (06012015). Collection method: clinical testing. Allele origin: germline. Affected: yes.
Comment: This variant is considered likely benign or benign based on one or more of the following criteria: it is a conservative change, it occurs at a poorly conserved position in the protein, it is predicted to be benign by multiple in silico algorithms, and/or has population frequency not consistent with disease.